The following is an entry in ClinVar:

ClinVar aggregate classification (germline): Uncertain significance (1 of 4 stars; one submission).

Conditions:
Leigh syndrome (NULS). Also called: Leigh's necrotizing encephalopathy; Leigh's disease; Leigh Syndrome (mtDNA deletion); Leigh Disease; Subacute necrotizing encephalopathy; Necrotizing encephalopathy infantile subacute of Leigh. Identifiers: Orphanet 506, MedGen C2931891, MONDO:0009723, OMIM 256000.

Submission:

Wong Mito Lab, Molecular and Human Genetics, Baylor College of Medicine
Classification: Uncertain significance for Leigh syndrome. Last evaluated: 2019-10-17. Review status: criteria provided, single submitter. Criteria: Modified ACMG Guidelines (Unpublished). Collection method: clinical testing. Allele origin: germline.
Comment: The NC_012920.1:m.6093G>A (YP_003024028.1:p.Val64Met) variant in MTCO1 gene is interpretated to be a Uncertain Significance variant based on the modified ACMG guidelines (unpublished). This variant meets the following evidence codes: PP7

NC_012920.1(MT-CO1):m.6093G>A

Gene: MT-CO1 (mitochondrially encoded cytochrome c oxidase I; plus strand).
Variant type: single nucleotide variant.
Genome position: chrM-6093-G-A.
Identifiers: ClinVar variation 692619 (VCV000692619.1), dbSNP rs1603220271, ClinGen allele CA414781670.